The following is an entry in ClinVar:

NM_000095.3(COMP):c.1429G>A (p.Val477Ile)

Gene: COMP (cartilage oligomeric matrix protein; minus strand). Cytogenetic location: 19p13.11.
Variant type: single nucleotide variant.
Coding change: c.1429G>A on transcript NM_000095.3 (MANE Select); coding-DNA position 1429, G replaced by A.
Protein change: p.Val477Ile; replaces valine 477 with isoleucine.
Molecular consequence: missense variant.
Genome position (GRCh38, 1-based): chr19:18,786,025, C>T on the plus strand (G>A on the coding strand, the complement: COMP is on the minus strand). VCF-style: chr19-18786025-C-T. GRCh37 (hg19) VCF-style: chr19-18896835-C-T.
Other names: short protein forms V477I.
Identifiers: ClinVar variation 1516174 (VCV001516174.6), dbSNP rs1411938300, ClinGen allele CA404884418.

ClinVar aggregate classification (germline): Uncertain significance (1 of 4 stars; one submission).

Allele frequency attached by ClinVar (database versions not stated): TOPMed 0.00001; gnomAD 0.00002.

Submission:

Labcorp Genetics (formerly Invitae), Labcorp
Classification: Uncertain significance. Last evaluated: 2022-12-06. Review status: criteria provided, single submitter. Criteria: Invitae Variant Classification Sherloc (09022015). Collection method: clinical testing. Allele origin: germline.
Comment: Advanced modeling of protein sequence and biophysical properties (such as structural, functional, and spatial information, amino acid conservation, physicochemical variation, residue mobility, and thermodynamic stability) performed at Invitae indicates that this missense variant is not expected to disrupt COMP protein function. In summary, the available evidence is currently insufficient to determine the role of this variant in disease. Therefore, it has been classified as a Variant of Uncertain Significance. ClinVar contains an entry for this variant (Variation ID: 1516174). This variant has not been reported in the literature in individuals affected with COMP-related conditions. This variant is present in population databases (no rsID available, gnomAD 0.01%). This sequence change replaces valine, which is neutral and non-polar, with isoleucine, which is neutral and non-polar, at codon 477 of the COMP protein (p.Val477Ile).